The following is an entry in ClinVar:

NM_000419.5(ITGA2B):c.1772A>C (p.Asp591Ala)

Gene: ITGA2B (integrin subunit alpha 2b; minus strand). Cytogenetic location: 17q21.31.
Variant type: single nucleotide variant.
Coding change: c.1772A>C on transcript NM_000419.5 (MANE Select); coding-DNA position 1772, A replaced by C.
Protein change: p.Asp591Ala; replaces aspartic acid 591 with alanine.
Molecular consequence: missense variant.
Genome position (GRCh38, 1-based): chr17:44,379,795, T>G on the plus strand (A>C on the coding strand, the complement: ITGA2B is on the minus strand). VCF-style: chr17-44379795-T-G. GRCh37 (hg19) VCF-style: chr17-42457163-T-G.
Other names: NM_000419.5(ITGA2B):c.1772A>C; p.Asp591Ala; c.1772A>C (LRG_479t1, NM_000419.4); short protein forms D591A.
Identifiers: ClinVar variation 627020 (VCV000627020.7), dbSNP rs778608263, ClinGen allele CA8602942.

ClinVar aggregate classification (germline): Pathogenic. Review status: reviewed by expert panel (3 of 4 stars). 6 submissions from 5 submitters: Pathogenic (1). 5 of the submissions do not count toward it. Last evaluated 2024-04-16.

Conditions:
Glanzmann thrombasthenia. Also called: THROMBASTHENIA OF GLANZMANN AND NAEGELI; Thrombasthenia; Glanzmann's thrombasthenia; PLATELET GLYCOPROTEIN IIb-IIIa DEFICIENCY. Identifiers: Orphanet 849, MedGen C0040015, MONDO:0100326.
Glanzmann thrombasthenia 1 (GT1). Also called: BLEEDING DISORDER, PLATELET-TYPE, 2; GP IIb-IIIa COMPLEX DEFICIENCY; GLYCOPROTEIN COMPLEX IIb-IIIa DEFICIENCY; PLATELET FIBRINOGEN RECEPTOR DEFICIENCY. Identifiers: MedGen CN300358, MONDO:0031332, OMIM 273800.
Platelet-type bleeding disorder 16 (BDPLT16). Also called: Bleeding disorder, platelet-type, 16, autosomal dominant. Identifiers: Orphanet 140957, MedGen C5442010, MONDO:0008552, OMIM 187800.

Allele frequency attached by ClinVar (database versions not stated): ExAC 0.00001; gnomAD 0.00001; gnomAD exomes below 0.00001.
gnomAD v4.1: 7 of 1,613,770 alleles (0.00043%); highest among the groups gnomAD compares: Non-Finnish European, 0.00059%; no homozygotes.

Submissions (6):

ClinGen Platelet Disorders Variant Curation Expert Panel, ClinGen
Classification: Pathogenic for Glanzmann thrombasthenia. Last evaluated: 2024-04-16. Review status: reviewed by expert panel. Criteria: ClinGen Platelet ACMG Specifications v2-1. Collection method: curation. Allele origin: germline. Inheritance: Autosomal recessive inheritance.
Comment: The NM_000419.5(ITGA2B):c.1772A>C (p.Asp591Ala) missense variant has been reported in at least six patients, including at least one patient (P13 in PMID: 34275420) who displayed mucocutaneous bleeding and impaired aggregation with all agonists except ristocetin, which is highly specific for Glanzmann thrombasthenia. Additionally, αIIbβ3 surface expression was reduced to <5%, as measured by flow cytometry (PP4_strong). At least four patients have been reported homozygous for this variant (PMIDs: 34275420, 29385657, ClinVar SCV004013075.1). Two additional compound heterozygous patients have been reported (PMID: 34355501), the first patient had Pro176Ala confirmed in trans (classified Pathogenic by the PD-EP, score 1pt) and the second patient had c.1440-13_1440-1del assumed in trans (PM3_strong).The highest population minor allele frequency in gnomAD v4.0.0 is 0.000005932 (7/1180006 alleles) in the European (non-Finnish) population, which is lower than the ClinGen PD VCEP threshold (<0.0001; PM2_Supporting). The computational predictor REVEL gives a score of 0.755, which is above the ClinGen PD VCEP threshold of >0.7 and predicts a damaging effect on function (PP3). In summary, this variant meets criteria to be classified as Pathogenic for autosomal recessive Glanzmann thrombasthenia. GT-specific criteria applied: PM2_supporting, PM3_strong, PP4_strong and PP3.

Institute of Medical Genetics and Applied Genomics, University Hospital Tübingen
Classification: Likely pathogenic. Last evaluated: 2020-10-23. Review status: criteria provided, single submitter. Criteria: ACMG Guidelines, 2015. Collection method: clinical testing. Allele origin: germline. Inheritance: Autosomal recessive inheritance. Affected: yes. Not counted in ClinVar's aggregate classification.

NIHR Bioresource Rare Diseases, University of Cambridge
Classification: Likely pathogenic for Glanzmann thrombasthenia 1. Last evaluated: 2019-02-01. Review status: criteria provided, single submitter. Criteria: ACMG Guidelines, 2015. Collection method: research. Allele origin: unknown. Affected: yes. Observed: 1 heterozygote. Study: ThromboGenomics. Not counted in ClinVar's aggregate classification.

Departement d'Immunology Plaquettaire, Institut National de la Transfusion Sanguine
Classification: Likely pathogenic for Glanzmann thrombasthenia 1. Review status: criteria provided, single submitter. Criteria: ACMG Guidelines, 2015. Collection method: provider interpretation, research. Allele origin: germline. Inheritance: Autosomal recessive inheritance. Affected: yes. Observed: 8 variant alleles, 6 heterozygotes, 2 homozygotes. Not counted in ClinVar's aggregate classification.
Comment: The variant alters the expression of the platelets fibrinogen receptor alphaIIb beta3

ISTH-SSC Genomics in Thrombosis and Hemostasis, KU Leuven, Center for Molecular and Vascular Biology
Classification: Likely pathogenic for Platelet-type bleeding disorder 16. Review status: criteria provided, single submitter. Criteria: ACMG Guidelines, 2015. Collection method: clinical testing. Allele origin: unknown. Affected: yes. Observed: 1 heterozygote, 2 compound heterozygotes. Clinical features observed: Impaired aggregations to all agonists except ristocetin, bleeding symptoms. Not counted in ClinVar's aggregate classification.
Comment: GoldVariant submitters: Dr Karyn Mégy, NIHR Bioresource - Cambridge University, UK and Kathleen Freson, Center for Molecular and Vascular Biology, Leuven, Belgium

ISTH-SSC Genomics in Thrombosis and Hemostasis, KU Leuven, Center for Molecular and Vascular Biology
Classification: Likely pathogenic for Glanzmann thrombasthenia 1. Review status: criteria provided, single submitter. Criteria: ACMG Guidelines, 2015. Collection method: clinical testing. Allele origin: germline. Affected: yes. Observed: 1 homozygote. Not counted in ClinVar's aggregate classification.
Comment: Submitted to the GoldVariant database by Kathleen Freson, Center for Molecular and Vascular Biology

Literature cited by the submitters: PubMed 31064749 (cited by NIHR Bioresource Rare Diseases, University of Cambridge); PubMed 32139434 (cited by Departement d'Immunology Plaquettaire, Institut National de la Transfusion Sanguine); PubMed 16722529 (cited by Departement d'Immunology Plaquettaire, Institut National de la Transfusion Sanguine); PubMed 34355501 (cited by ISTH-SSC Genomics in Thrombosis and Hemostasis, KU Leuven, Center for Molecular and Vascular Biology).